The following is an entry in ClinVar:

ClinVar aggregate classification (germline): Likely benign. Review status: criteria provided, multiple submitters, no conflicts (2 of 4 stars). 4 submissions from 4 submitters: Likely benign (4). Last evaluated 2026-08-01.

Conditions:
Cardiovascular phenotype. Identifiers: MedGen CN230736.
Hereditary hemorrhagic telangiectasia (HHT). Also called: Osler hemorrhagic telangiectasia syndrome; ORW DISEASE; Osler Weber Rendu syndrome; OSLER-RENDU-WEBER DISEASE. Identifiers: Orphanet 774, MedGen C0039445, MONDO:0019180. Disease mechanism: loss of function.

Allele frequency attached by ClinVar (database versions not stated): ExAC 0.00006; ESP Exome Variant Server 0.00008; TOPMed 0.00010.

Submissions (4):

CeGaT Center for Human Genetics Tuebingen
Classification: Likely benign. Last evaluated: 2026-08-01. Review status: criteria provided, single submitter. Criteria: CeGaT Center For Human Genetics Tuebingen Variant Classification Criteria Version 2. Collection method: clinical testing. Allele origin: germline. Affected: yes. Observed: 3 variant alleles.
Comment: ENG: BP4, BP7

Labcorp Genetics (formerly Invitae), Labcorp
Classification: Likely benign for Hereditary hemorrhagic telangiectasia. Last evaluated: 2025-12-13. Review status: criteria provided, single submitter. Criteria: Invitae Variant Classification Sherloc (09022015). Collection method: clinical testing. Allele origin: germline.

Blueprint Genetics
Classification: Likely benign. Last evaluated: 2024-11-06. Review status: criteria provided, single submitter. Criteria: ACMG Guidelines, 2015. Collection method: clinical testing. Allele origin: germline.

Ambry Genetics
Classification: Likely benign for Cardiovascular phenotype. Last evaluated: 2020-12-07. Review status: criteria provided, single submitter. Criteria: Ambry Variant Classification Scheme 2023. Collection method: clinical testing. Allele origin: germline.

NM_001114753.3(ENG):c.1770C>T (p.Pro590=)

Gene: ENG (endoglin; minus strand). Cytogenetic location: 9q34.11.
Variant type: single nucleotide variant.
Coding change: c.1770C>T on transcript NM_001114753.3 (MANE Select); coding-DNA position 1770, C replaced by T.
Protein change: p.Pro590=; no amino-acid change (proline 590 retained).
Molecular consequence: synonymous variant.
Genome position (GRCh38, 1-based): chr9:127,816,025, G>A on the plus strand (C>T on the coding strand, the complement: ENG is on the minus strand). VCF-style: chr9-127816025-G-A. GRCh37 (hg19) VCF-style: chr9-130578304-G-A.
Other names: c.1770C>T, p.Pro590= (NM_000118.4); c.1224C>T, p.Pro408= (NM_001278138.2).
Identifiers: ClinVar variation 528075 (VCV000528075.22), dbSNP rs370943570, ClinGen allele CA5252630.
Genomic context (GRCh38, chr9:127,816,025, plus strand): 5'-GAGTGCAGCAGTGAGCAGGGCCCCGATGAGGAAGGCACCAAAGGTGATGCCCAGCACGGC[G>A]GGCAGGACGAGGCCTTTGCTTGTGCAACCTAGAGAGGGCCGACGCCATCAGCACTGCCAC-3'
Protein context (NP_001108225.1, residues 580-600): SGCTSKGLVL[Pro590=]AVLGITFGAF